The following is an entry in ClinVar:

NM_006922.4(SCN3A):c.4861C>G (p.Arg1621Gly)

Gene: SCN3A (sodium voltage-gated channel alpha subunit 3; minus strand). Cytogenetic location: 2q24.3.
Variant type: single nucleotide variant.
Coding change: c.4861C>G on transcript NM_006922.4 (MANE Select); coding-DNA position 4861, C replaced by G.
Protein change: p.Arg1621Gly; replaces arginine 1621 with glycine.
Molecular consequence: missense variant.
Genome position (GRCh38, 1-based): chr2:165,091,292, G>C on the plus strand (C>G on the coding strand, the complement: SCN3A is on the minus strand). VCF-style: chr2-165091292-G-C. GRCh37 (hg19) VCF-style: chr2-165947802-G-C.
Other names: c.4714C>G, p.Arg1572Gly (NM_001081676.2, NM_001081677.2); short protein forms R1572G, R1621G.
Identifiers: ClinVar variation 3067172 (VCV003067172.2), dbSNP rs1553517389, ClinGen allele CA349018280.

Conditions:
Developmental and epileptic encephalopathy. Identifiers: MedGen C5779964, MONDO:0100620.

Submission:

Channelopathy-Associated Epilepsy Research Center
No classification provided (evidence only). Condition: Developmental and epileptic encephalopathy. Review status: no classification provided. Collection method: literature only. Allele origin: not applicable. Functional consequence: Normal peak current, Normal slope of activation, Normal slope of fast inactivation, Normal voltage dependence of fast inactivation, Moderate hyperpolarizing shift of voltage dependence of activation, Severe increase in persistent current, Moderate slowing of fast inactivation, Overall gain-of-function.
ClinVar note: "not provided" was previously submitted as the classification for the variant. However, the classification appeared to be based only on an observation of functional data so it was converted to no classification on 2025-07-30.

Literature cited by the submitters: PubMed 32515017.